The following is an entry in ClinVar:

NM_004946.3(DOCK2):c.4892G>A (p.Gly1631Asp)

Gene: DOCK2 (dedicator of cytokinesis 2; plus strand). Cytogenetic location: 5q35.1.
Variant type: single nucleotide variant.
Coding change: c.4892G>A on transcript NM_004946.3 (MANE Select); coding-DNA position 4892, G replaced by A.
Protein change: p.Gly1631Asp; replaces glycine 1631 with aspartic acid.
Molecular consequence: missense variant. On other transcripts: non-coding transcript variant (1).
Genome position (GRCh38, 1-based): chr5:170,077,735, G>A. VCF-style: chr5-170077735-G-A. GRCh37 (hg19) VCF-style: chr5-169504739-G-A.
Other names: short protein forms G1631D.
Identifiers: ClinVar variation 1469394 (VCV001469394.6), dbSNP rs2113876372, ClinGen allele CA362115579.

ClinVar aggregate classification (germline): Uncertain significance (1 of 4 stars; one submission).

Conditions:
DOCK2 deficiency. Also called: Immunodeficiency 40. Identifiers: Orphanet 447737, MedGen C4225328, MONDO:0014637, OMIM 616433.

Allele frequency attached by ClinVar (database versions not stated): gnomAD exomes below 0.00001.
gnomAD v4.1: 1 of 1,613,782 alleles (0.000062%); highest among the groups gnomAD compares: Non-Finnish European, 0.000085%; no homozygotes.

Submission:

Labcorp Genetics (formerly Invitae), Labcorp
Classification: Uncertain significance for DOCK2 deficiency. Last evaluated: 2021-09-06. Review status: criteria provided, single submitter. Criteria: Invitae Variant Classification Sherloc (09022015). Collection method: clinical testing. Allele origin: germline.
Comment: Algorithms developed to predict the effect of missense changes on protein structure and function (SIFT, PolyPhen-2, Align-GVGD) all suggest that this variant is likely to be tolerated. This sequence change replaces glycine with aspartic acid at codon 1631 of the DOCK2 protein (p.Gly1631Asp). The glycine residue is moderately conserved and there is a moderate physicochemical difference between glycine and aspartic acid. This variant is not present in population databases (ExAC no frequency). This variant has not been reported in the literature in individuals affected with DOCK2-related conditions. In summary, the available evidence is currently insufficient to determine the role of this variant in disease. Therefore, it has been classified as a Variant of Uncertain Significance.